The following is an entry in ClinVar:

NM_002878.4(RAD51D):c.293delinsCC (p.Tyr98fs)

Genes: RAD51L3-RFFL (RAD51L3-RFFL readthrough; minus strand), RAD51D (RAD51 paralog D; minus strand). Cytogenetic location: 17q12.
Variant type: Indel.
Coding change: c.293delinsCC on transcript NM_002878.4 (MANE Select); coding-DNA position 293, A replaced by CC.
Protein change: p.Tyr98fs; shifts the reading frame from tyrosine 98.
Molecular consequence: frameshift variant. On other transcripts: non-coding transcript variant (2), intron variant (1).
Genome position (GRCh38, 1-based): chr17:35,107,418, T replaced by GG on the plus strand (A replaced by CC on the coding strand, the reverse complement: RAD51D is on the minus strand). VCF-style: chr17-35107418-T-GG. GRCh37 (hg19) VCF-style: chr17-33434437-T-GG.
Other names: c.353delinsCC, p.Tyr118fs (NM_001142571.2); c.145-937delinsCC (NM_133629.3); short protein forms Y118fs, Y98fs.
Identifiers: ClinVar variation 1797901 (VCV001797901.2), dbSNP rs2509143087, ClinGen allele CA2580093234.

ClinVar aggregate classification (germline): Pathogenic (1 of 4 stars; one submission).

Conditions:
Hereditary cancer-predisposing syndrome. Also called: Neoplastic Syndromes, Hereditary; Tumor predisposition; Hereditary Cancer Syndrome; Hereditary neoplastic syndrome. Identifiers: Orphanet 140162, MedGen C0027672, MeSH D009386, MONDO:0015356.

Submission:

Ambry Genetics
Classification: Pathogenic for Hereditary cancer-predisposing syndrome. Last evaluated: 2022-08-25. Review status: criteria provided, single submitter. Criteria: Ambry Variant Classification Scheme 2023. Collection method: clinical testing. Allele origin: germline.
Comment: The c.293delAinsCC pathogenic mutation, located in coding exon 4 of the RAD51D gene, results from the deletion of one nucleotide and insertion of two nucleotides causing a translational frameshift with a predicted alternate stop codon (p.Y98Sfs*7). This alteration is expected to result in loss of function by premature protein truncation or nonsense-mediated mRNA decay. As such, this alteration is interpreted as a disease-causing mutation.